The following is an entry in ClinVar:

NM_138370.3(PKDCC):c.665G>A (p.Ser222Asn)

Gene: PKDCC (protein kinase domain containing, cytoplasmic; plus strand). Cytogenetic location: 2p21.
Variant type: single nucleotide variant.
Coding change: c.665G>A on transcript NM_138370.3 (MANE Select); coding-DNA position 665, G replaced by A.
Protein change: p.Ser222Asn; replaces serine 222 with asparagine.
Molecular consequence: missense variant.
Genome position (GRCh38, 1-based): chr2:42,053,264, G>A. VCF-style: chr2-42053264-G-A. GRCh37 (hg19) VCF-style: chr2-42280404-G-A.
Other names: c.665G>A (NM_138370.2); short protein forms S222N.
Identifiers: ClinVar variation 1431059 (VCV001431059.6), dbSNP rs140342791, ClinGen allele CA1627972.
Genomic context (GRCh38, chr2:42,053,264, plus strand): 5'-CTGTGACCTAATGACCTGCCCTCGGCTTTCCCCAGCTCTATGGCTACTGCTACCAGGACA[G>A]CGAGGACATCCCAGACACCCTGACCACCATCACGGAGCTGGGCGCCCCTGTAGAAATGAT-3'
Protein context (NP_612379.2, residues 212-232): LQLYGYCYQD[Ser222Asn]EDIPDTLTTI

ClinVar aggregate classification (germline): Uncertain significance. Review status: criteria provided, multiple submitters, no conflicts (2 of 4 stars). 2 submissions from 2 submitters: Uncertain significance (2). Last evaluated 2025-08-11.

Conditions:
Inborn genetic diseases. Identifiers: MedGen C0950123, MeSH D030342.

Allele frequency attached by ClinVar (database versions not stated): gnomAD 0.00011 and 0.00012; ExAC 0.00014; ESP Exome Variant Server 0.00015.
gnomAD v4.1: 246 of 1,576,146 alleles (0.016%); highest among the groups gnomAD compares: Non-Finnish European, 0.021%; no homozygotes.

Submissions (2):

Ambry Genetics
Classification: Uncertain significance for Inborn genetic diseases. Last evaluated: 2025-08-11. Review status: criteria provided, single submitter. Criteria: Ambry Variant Classification Scheme 2023. Collection method: clinical testing. Allele origin: germline.

Labcorp Genetics (formerly Invitae), Labcorp
Classification: Uncertain significance. Last evaluated: 2023-05-22. Review status: criteria provided, single submitter. Criteria: Invitae Variant Classification Sherloc (09022015). Collection method: clinical testing. Allele origin: germline.
Comment: This sequence change replaces serine, which is neutral and polar, with asparagine, which is neutral and polar, at codon 222 of the PKDCC protein (p.Ser222Asn). This variant is present in population databases (rs140342791, gnomAD 0.03%). This variant has not been reported in the literature in individuals affected with PKDCC-related conditions. ClinVar contains an entry for this variant (Variation ID: 1431059). An algorithm developed to predict the effect of missense changes on protein structure and function (PolyPhen-2) suggests that this variant¬† is likely to be tolerated. In summary, the available evidence is currently insufficient to determine the role of this variant in disease. Therefore, it has been classified as a Variant of Uncertain Significance.